The following is an entry in ClinVar:

NM_170707.4(LMNA):c.1657dup (p.Asp553fs)

Gene: LMNA (lamin A/C; plus strand). Cytogenetic location: 1q22.
Variant type: Duplication.
Coding change: c.1657dup on transcript NM_170707.4 (MANE Select); coding-DNA position 1657, one base duplicated (G; older notation c.1657dupG).
Protein change: p.Asp553fs; shifts the reading frame from aspartic acid 553.
Molecular consequence: frameshift variant. On other transcripts: intron variant (1).
Genome position (GRCh38, 1-based): chr1:156,137,702, G duplicated. VCF-style (leftmost placement, unchanged base first): chr1-156137701-C-CG. GRCh37 (hg19) VCF-style: chr1-156107492-C-CG.
Other names: c.1321dup, p.Asp441fs (NM_001257374.3); c.1414dup, p.Asp472fs (NM_001282624.2); c.1657dup, p.Asp553fs (NM_001282625.2, NM_001282626.2, NM_005572.4); c.1608+470dup (NM_170708.4); c.1657dupG (NM_170707.2); short protein forms D441fs, D472fs, D553fs.
Identifiers: ClinVar variation 640296 (VCV000640296.9), dbSNP rs1572367812, ClinGen allele CA915941468.

ClinVar aggregate classification (germline): Pathogenic. Review status: criteria provided, multiple submitters, no conflicts (2 of 4 stars). 2 submissions from 2 submitters: Pathogenic (2). Last evaluated 2025-09-08.

Conditions:
Cardiovascular phenotype. Identifiers: MedGen CN230736.
Charcot-Marie-Tooth disease type 2. Also called: Charcot-Marie-Tooth type 2. Identifiers: Orphanet 64746, MedGen C0270914, MONDO:0018993.

Submissions (2):

Labcorp Genetics (formerly Invitae), Labcorp
Classification: Pathogenic for Charcot-Marie-Tooth disease type 2. Last evaluated: 2025-09-08. Review status: criteria provided, single submitter. Criteria: Invitae Variant Classification Sherloc (09022015). Collection method: clinical testing. Allele origin: germline.
Comment: This sequence change creates a premature translational stop signal (p.Asp553Glyfs*4) in the LMNA gene. It is expected to result in an absent or disrupted protein product. Loss-of-function variants in LMNA are known to be pathogenic (PMID: 18585512, 18926329). This variant is not present in population databases (gnomAD no frequency). This variant has not been reported in the literature in individuals affected with LMNA-related conditions. ClinVar contains an entry for this variant (Variation ID: 640296). For these reasons, this variant has been classified as Pathogenic.

Ambry Genetics
Classification: Pathogenic for Cardiovascular phenotype. Last evaluated: 2025-09-03. Review status: criteria provided, single submitter. Criteria: Ambry Variant Classification Scheme 2023. Collection method: clinical testing. Allele origin: germline.
Comment: The c.1657dupG pathogenic mutation, located in coding exon 10 of the LMNA gene, results from a duplication of G at nucleotide position 1657, causing a translational frameshift with a predicted alternate stop codon (p.D553Gfs*4). This variant is considered to be rare based on population cohorts in the Genome Aggregation Database (gnomAD). This alteration is expected to result in loss of function by premature protein truncation or nonsense-mediated mRNA decay. As such, this alteration is interpreted as a disease-causing mutation.

Literature cited by the submitters: PubMed 18585512 (cited by Labcorp Genetics (formerly Invitae), Labcorp); PubMed 18926329 (cited by Labcorp Genetics (formerly Invitae), Labcorp).